The following is an entry in ClinVar:

ClinVar aggregate classification (germline): Uncertain significance (1 of 4 stars; one submission).

Conditions:
Osteogenesis imperfecta type 8 (OI8). Identifiers: MedGen C1970458, MONDO:0012581, OMIM 610915.

Allele frequency attached by ClinVar (database versions not stated): gnomAD exomes 0.00001; ExAC 0.00002; gnomAD 0.00011; TOPMed 0.00012; ESP Exome Variant Server 0.00023.
gnomAD v4.1: 33 of 1,614,100 alleles (0.002%); highest among the groups gnomAD compares: African/African-American, 0.04%; no homozygotes.

Submission:

Labcorp Genetics (formerly Invitae), Labcorp
Classification: Uncertain significance for Osteogenesis imperfecta type 8. Last evaluated: 2022-04-07. Review status: criteria provided, single submitter. Criteria: Invitae Variant Classification Sherloc (09022015). Collection method: clinical testing. Allele origin: germline.
Comment: This sequence change replaces alanine, which is neutral and non-polar, with valine, which is neutral and non-polar, at codon 324 of the P3H1 protein (p.Ala324Val). This variant is present in population databases (rs142954359, gnomAD 0.03%). This variant has not been reported in the literature in individuals affected with P3H1-related conditions. Algorithms developed to predict the effect of missense changes on protein structure and function are either unavailable or do not agree on the potential impact of this missense change (SIFT: "Tolerated"; PolyPhen-2: "Possibly Damaging"; Align-GVGD: "Class C0"). In summary, the available evidence is currently insufficient to determine the role of this variant in disease. Therefore, it has been classified as a Variant of Uncertain Significance.

NM_022356.4(P3H1):c.971C>T (p.Ala324Val)

Gene: P3H1 (prolyl 3-hydroxylase 1; minus strand). Cytogenetic location: 1p34.2.
Variant type: single nucleotide variant.
Coding change: c.971C>T on transcript NM_022356.4 (MANE Select); coding-DNA position 971, C replaced by T.
Protein change: p.Ala324Val; replaces alanine 324 with valine.
Molecular consequence: missense variant.
Genome position (GRCh38, 1-based): chr1:42,757,892, G>A on the plus strand (C>T on the coding strand, the complement: P3H1 is on the minus strand). VCF-style: chr1-42757892-G-A. GRCh37 (hg19) VCF-style: chr1-43223563-G-A.
Other names: c.971C>T, p.Ala324Val (NM_001146289.2, NM_001243246.2); short protein forms A324V.
Identifiers: ClinVar variation 2074081 (VCV002074081.1), dbSNP rs142954359, ClinGen allele CA802007.